The following is an entry in ClinVar:

ClinVar aggregate classification (germline): Uncertain significance. Review status: criteria provided, multiple submitters, no conflicts (2 of 4 stars). 2 submissions from 2 submitters: Uncertain significance (2). Last evaluated 2024-08-01.

Conditions:
Brugada syndrome 8 (BRGDA8). Identifiers: Orphanet 130, MedGen C2751083, MONDO:0013148, OMIM 613123.

Submissions (2):

CeGaT Center for Human Genetics Tuebingen
Classification: Uncertain significance. Last evaluated: 2024-08-01. Review status: criteria provided, single submitter. Criteria: CeGaT Center For Human Genetics Tuebingen Variant Classification Criteria Version 2. Collection method: clinical testing. Allele origin: germline. Affected: yes. Observed: 1 variant allele.
Comment: HCN4: PM2, PM4

Labcorp Genetics (formerly Invitae), Labcorp
Classification: Uncertain significance for Brugada syndrome 8. Last evaluated: 2023-11-03. Review status: criteria provided, single submitter. Criteria: Invitae Variant Classification Sherloc (09022015). Collection method: clinical testing. Allele origin: germline.
Comment: This variant, c.286_297del, results in the deletion of 4 amino acid(s) of the HCN4 protein (p.Phe96_Ser99del), but otherwise preserves the integrity of the reading frame. This variant is not present in population databases (gnomAD no frequency). This variant has not been reported in the literature in individuals affected with HCN4-related conditions. Experimental studies and prediction algorithms are not available or were not evaluated, and the functional significance of this variant is currently unknown. In summary, the available evidence is currently insufficient to determine the role of this variant in disease. Therefore, it has been classified as a Variant of Uncertain Significance.

NM_005477.3(HCN4):c.286_297del (p.Phe96_Ser99del)

Gene: HCN4 (hyperpolarization activated cyclic nucleotide gated potassium channel 4; minus strand). Cytogenetic location: 15q24.1.
Variant type: Deletion.
Coding change: c.286_297del on transcript NM_005477.3 (MANE Select); coding-DNA positions 286 to 297, 12 bases deleted (TTCCGCGGGAGC).
Protein change: p.Phe96_Ser99del.
Molecular consequence: inframe deletion.
Genome position (GRCh38, 1-based): chr15:73,367,974-73,367,985, GCTCCCGCGGAA deleted on the plus strand (TTCCGCGGGAGC on the coding strand, the reverse complement: HCN4 is on the minus strand); deleting any 12 consecutive bases within chr15:73,367,974-73,367,987 gives the same sequence; the c. name uses the placement nearest the transcript's 3' end. VCF-style (leftmost placement, unchanged base first): chr15-73367973-GGCTCCCGCGGAA-G. GRCh37 (hg19) VCF-style: chr15-73660314-GGCTCCCGCGGAA-G.
Identifiers: ClinVar variation 2904347 (VCV002904347.19), dbSNP rs1414048036, ClinGen allele CA715578052.